The following is an entry in ClinVar:

ClinVar aggregate classification (germline): Uncertain significance. Review status: criteria provided, multiple submitters, no conflicts (2 of 4 stars). 2 submissions from 2 submitters: Uncertain significance (2). Last evaluated 2025-07-02.

Conditions:
Inborn genetic diseases. Identifiers: MedGen C0950123, MeSH D030342.

Allele frequency attached by ClinVar (database versions not stated): gnomAD 0.00001; ExAC 0.00002; TOPMed 0.00002.
gnomAD v4.1: 12 of 1,613,888 alleles (0.00074%); highest among the groups gnomAD compares: East Asian, 0.027%; no homozygotes.

Submissions (2):

Ambry Genetics
Classification: Uncertain significance for Inborn genetic diseases. Last evaluated: 2025-07-02. Review status: criteria provided, single submitter. Criteria: Ambry Variant Classification Scheme 2023. Collection method: clinical testing. Allele origin: germline.

Labcorp Genetics (formerly Invitae), Labcorp
Classification: Uncertain significance. Last evaluated: 2025-06-24. Review status: criteria provided, single submitter. Criteria: Invitae Variant Classification Sherloc (09022015). Collection method: clinical testing. Allele origin: germline.
Comment: This sequence change replaces phenylalanine, which is neutral and non-polar, with leucine, which is neutral and non-polar, at codon 674 of the DCHS1 protein (p.Phe674Leu). The frequency data for this variant in the population databases is considered unreliable, as metrics indicate poor data quality at this position in the gnomAD database. This variant has not been reported in the literature in individuals affected with DCHS1-related conditions. ClinVar contains an entry for this variant (Variation ID: 1935499). Invitae Evidence Modeling of protein sequence and biophysical properties (such as structural, functional, and spatial information, amino acid conservation, physicochemical variation, residue mobility, and thermodynamic stability) indicates that this missense variant is not expected to disrupt DCHS1 protein function with a negative predictive value of 80%. In summary, the available evidence is currently insufficient to determine the role of this variant in disease. Therefore, it has been classified as a Variant of Uncertain Significance.

NM_003737.4(DCHS1):c.2022T>A (p.Phe674Leu)

Gene: DCHS1 (dachsous cadherin-related 1; minus strand). Cytogenetic location: 11p15.4.
Variant type: single nucleotide variant.
Coding change: c.2022T>A on transcript NM_003737.4 (MANE Select); coding-DNA position 2022, T replaced by A.
Protein change: p.Phe674Leu; replaces phenylalanine 674 with leucine.
Molecular consequence: missense variant.
Genome position (GRCh38, 1-based): chr11:6,633,985, A>T on the plus strand (T>A on the coding strand, the complement: DCHS1 is on the minus strand). VCF-style: chr11-6633985-A-T. GRCh37 (hg19) VCF-style: chr11-6655216-A-T.
Other names: c.2022T>A (NM_003737.2); short protein forms F674L.
Identifiers: ClinVar variation 1935499 (VCV001935499.6), dbSNP rs771104448, ClinGen allele CA5860825.
Genomic context (GRCh38, chr11:6,633,985, plus strand): 5'-TATACTGGCAGCATACTCCCGTGGATAAAACTGAGGAGGGTTGTCATTCTCGTCTGACAG[A>T]AACACCTTCACATATACCATGGACTTGAGGCCTCCCTGGTGGGACATGCAGCCATAGGTC-3'
Protein context (NP_003728.1, residues 664-684): GLKSMVYVKV[Phe674Leu]LSDENDNPPQ